The following is an entry in ClinVar:

ClinVar aggregate classification (germline): Uncertain significance (1 of 4 stars; one submission).

Conditions:
Familial thoracic aortic aneurysm and aortic dissection (TAAD). Also called: Thoracic aortic aneurysms and dissections. Identifiers: Orphanet 91387, MedGen C4707243, MONDO:0019625.

Submission:

Ambry Genetics
Classification: Uncertain significance for Familial thoracic aortic aneurysm and aortic dissection. Last evaluated: 2023-05-18. Review status: criteria provided, single submitter. Criteria: Ambry Variant Classification Scheme 2023. Collection method: clinical testing. Allele origin: germline.
Comment: The p.T1892S variant (also known as c.5675C>G), located in coding exon 31 of the MYLK gene, results from a C to G substitution at nucleotide position 5675. The threonine at codon 1892 is replaced by serine, an amino acid with similar properties. This amino acid position is conserved. In addition, the in silico prediction for this alteration is inconclusive. Since supporting evidence is limited at this time, the clinical significance of this alteration remains unclear.

NM_053025.4(MYLK):c.5675C>G (p.Thr1892Ser)

Genes: MYLK (myosin light chain kinase; minus strand), MYLK-AS1 (MYLK antisense RNA 1; plus strand). Cytogenetic location: 3q21.1.
Variant type: single nucleotide variant.
Coding change: c.5675C>G on transcript NM_053025.4 (MANE Select); coding-DNA position 5675, C replaced by G.
Protein change: p.Thr1892Ser; replaces threonine 1892 with serine.
Molecular consequence: missense variant.
Genome position (GRCh38, 1-based): chr3:123,614,175, G>C on the plus strand (C>G on the coding strand, the complement: MYLK is on the minus strand). VCF-style: chr3-123614175-G-C. GRCh37 (hg19) VCF-style: chr3-123333022-G-C.
Other names: c.5147C>G, p.Thr1716Ser (NM_001321309.2); c.5468C>G, p.Thr1823Ser (NM_053026.4); c.5522C>G, p.Thr1841Ser (NM_053027.4); c.5315C>G, p.Thr1772Ser (NM_053028.4); c.392C>G, p.Thr131Ser (NM_053031.4); c.395C>G, p.Thr132Ser (NM_053032.4); short protein forms T1892S, T1716S, T131S, T132S, T1772S, T1823S, T1841S.
Identifiers: ClinVar variation 2567254 (VCV002567254.2), dbSNP rs368231398, ClinGen allele CA354228577.